The following is an entry in ClinVar:

NM_024928.5(STN1):c.50G>A (p.Trp17Ter)

Gene: STN1 (STN1 subunit of CST complex; minus strand). Cytogenetic location: 10q24.33.
Variant type: single nucleotide variant.
Coding change: c.50G>A on transcript NM_024928.5 (MANE Select); coding-DNA position 50, G replaced by A.
Protein change: p.Trp17Ter; replaces tryptophan 17 with a stop codon.
Molecular consequence: nonsense.
Genome position (GRCh38, 1-based): chr10:103,917,545, C>T on the plus strand (G>A on the coding strand, the complement: STN1 is on the minus strand). VCF-style: chr10-103917545-C-T. GRCh37 (hg19) VCF-style: chr10-105677303-C-T.
Other names: short protein forms W17*.
Identifiers: ClinVar variation 1443743 (VCV001443743.6), dbSNP rs1331710310, ClinGen allele CA378050914.

ClinVar aggregate classification (germline): Uncertain significance (1 of 4 stars; one submission).

Allele frequency attached by ClinVar (database versions not stated): TOPMed below 0.00001; gnomAD exomes 0.00002 and 0.00003.
gnomAD v4.1: 38 of 1,614,160 alleles (0.0024%); highest among the groups gnomAD compares: Non-Finnish European, 0.0032%; no homozygotes.

Submission:

Labcorp Genetics (formerly Invitae), Labcorp
Classification: Uncertain significance. Last evaluated: 2021-03-16. Review status: criteria provided, single submitter. Criteria: Invitae Variant Classification Sherloc (09022015). Collection method: clinical testing. Allele origin: germline.
Comment: In summary, the available evidence is currently insufficient to determine the role of this variant in disease. Therefore, it has been classified as a Variant of Uncertain Significance. Algorithms developed to predict the effect of sequence changes on RNA splicing suggest that this variant may create or strengthen a splice site, but this prediction has not been confirmed by published transcriptional studies. This variant has not been reported in the literature in individuals with STN1-related conditions. This variant is not present in population databases (ExAC no frequency). This sequence change creates a premature translational stop signal (p.Trp17*) in the STN1 gene. It is expected to result in an absent or disrupted protein product. However, the current clinical and genetic evidence is not sufficient to establish whether loss-of-function variants in STN1 cause disease.